The following is an entry in ClinVar:

ClinVar aggregate classification (germline): Likely benign. Review status: criteria provided, multiple submitters, no conflicts (2 of 4 stars). 2 submissions from 2 submitters: Likely benign (2). Last evaluated 2026-08-01.

Conditions:
Immunodeficiency-centromeric instability-facial anomalies syndrome 2 (ICF2). Identifiers: Orphanet 2268, MedGen C3279748, MONDO:0013553, OMIM 614069.

Allele frequency attached by ClinVar (database versions not stated): TOPMed below 0.00001; gnomAD exomes 0.00001.
gnomAD v4.1: 4 of 1,614,244 alleles (0.00025%); highest among the groups gnomAD compares: Admixed American, 0.005%; no homozygotes.

Submissions (2):

CeGaT Center for Human Genetics Tuebingen
Classification: Likely benign. Last evaluated: 2026-08-01. Review status: criteria provided, single submitter. Criteria: CeGaT Center For Human Genetics Tuebingen Variant Classification Criteria Version 2. Collection method: clinical testing. Allele origin: germline. Affected: yes. Observed: 1 variant allele.
Comment: ZBTB24: BP4, BP7

Labcorp Genetics (formerly Invitae), Labcorp
Classification: Likely benign for Immunodeficiency-centromeric instability-facial anomalies syndrome 2. Last evaluated: 2024-02-02. Review status: criteria provided, single submitter. Criteria: Invitae Variant Classification Sherloc (09022015). Collection method: clinical testing. Allele origin: germline.

NM_014797.3(ZBTB24):c.444T>G (p.Val148=)

Gene: ZBTB24 (zinc finger and BTB domain containing 24; minus strand). Cytogenetic location: 6q21.
Variant type: single nucleotide variant.
Coding change: c.444T>G on transcript NM_014797.3 (MANE Select); coding-DNA position 444, T replaced by G.
Protein change: p.Val148=; no amino-acid change (valine 148 retained).
Molecular consequence: synonymous variant.
Genome position (GRCh38, 1-based): chr6:109,481,583, A>C on the plus strand (T>G on the coding strand, the complement: ZBTB24 is on the minus strand). VCF-style: chr6-109481583-A-C. GRCh37 (hg19) VCF-style: chr6-109802786-A-C.
Other names: c.444T>G, p.Val148= (NM_001164313.2).
Identifiers: ClinVar variation 1587983 (VCV001587983.9), dbSNP rs1217820174, ClinGen allele CA451913423.